The following is an entry in ClinVar:

NM_001170629.2(CHD8):c.7295T>A (p.Leu2432His)

Gene: CHD8 (chromodomain helicase DNA binding protein 8; minus strand). Cytogenetic location: 14q11.2.
Variant type: single nucleotide variant.
Coding change: c.7295T>A on transcript NM_001170629.2 (MANE Select); coding-DNA position 7295, T replaced by A.
Protein change: p.Leu2432His; replaces leucine 2432 with histidine.
Molecular consequence: missense variant.
Genome position (GRCh38, 1-based): chr14:21,386,064, A>T on the plus strand (T>A on the coding strand, the complement: CHD8 is on the minus strand). VCF-style: chr14-21386064-A-T. GRCh37 (hg19) VCF-style: chr14-21854223-A-T.
Other names: c.6458T>A, p.Leu2153His (NM_020920.4); short protein forms L2153H, L2432H.
Identifiers: ClinVar variation 4746972 (VCV004746972.1).

ClinVar aggregate classification (germline): Uncertain significance (1 of 4 stars; one submission).

Submission:

Labcorp Genetics (formerly Invitae), Labcorp
Classification: Uncertain significance. Last evaluated: 2026-01-25. Review status: criteria provided, single submitter. Criteria: Invitae Variant Classification Sherloc (09022015). Collection method: clinical testing. Allele origin: germline.
Comment: This sequence change replaces leucine, which is neutral and non-polar, with histidine, which is basic and polar, at codon 2432 of the CHD8 protein (p.Leu2432His). This variant is not present in population databases (gnomAD no frequency). This variant has not been reported in the literature in individuals affected with CHD8-related conditions. Invitae Evidence Modeling of protein sequence and biophysical properties (such as structural, functional, and spatial information, amino acid conservation, physicochemical variation, residue mobility, and thermodynamic stability) indicates that this missense variant is not expected to disrupt CHD8 protein function with a negative predictive value of 95%. In summary, the available evidence is currently insufficient to determine the role of this variant in disease. Therefore, it has been classified as a Variant of Uncertain Significance.